The following is an entry in ClinVar:

NM_005751.5(AKAP9):c.11519T>C (p.Ile3840Thr)

Gene: AKAP9 (A-kinase anchoring protein 9; plus strand). Cytogenetic location: 7q21.2.
Variant type: single nucleotide variant.
Coding change: c.11519T>C on transcript NM_005751.5 (MANE Select); coding-DNA position 11519, T replaced by C.
Protein change: p.Ile3840Thr; replaces isoleucine 3840 with threonine.
Molecular consequence: missense variant.
Genome position (GRCh38, 1-based): chr7:92,107,395, T>C. VCF-style: chr7-92107395-T-C. GRCh37 (hg19) VCF-style: chr7-91736709-T-C.
Other names: p.I3840T:ATT>ACT; c.6164T>C, p.Ile2055Thr (NM_001379277.1); c.11495T>C, p.Ile3832Thr (NM_147185.3); short protein forms I3840T, I3832T, I2055T.
Identifiers: ClinVar variation 190498 (VCV000190498.13), dbSNP rs145675748, ClinGen allele CA300642.
Genomic context (GRCh38, chr7:92,107,395, plus strand): 5'-TGGAGTTATATGGAGAACCAAGACATACTACGTATCGCTCAAGATCAGATCTGGACTATA[T>C]TAGGTCCCCTTTACCATTTCAGAATAGGTAAGAATATGAGAAAACCTGCCTGGAATTGTT-3'
Protein context (NP_005742.4, residues 3830-3850): TYRSRSDLDY[Ile3840Thr]RSPLPFQNRY

ClinVar aggregate classification (germline): Conflicting classifications of pathogenicity. Review status: criteria provided, conflicting classifications (1 of 4 stars). 4 submissions from 4 submitters: Uncertain significance (1); Likely benign (3). Last evaluated 2025-06-19.

Conditions:
Cardiovascular phenotype. Identifiers: MedGen CN230736.
Long QT syndrome (LQTS). Identifiers: MedGen C0023976, MeSH D008133, MONDO:0002442. Disease mechanism: loss of function. Inheritance: Various modes of inheritance.

Allele frequency attached by ClinVar (database versions not stated): gnomAD 0.00008 and 0.00010; gnomAD exomes 0.00008; TOPMed 0.00010; ESP Exome Variant Server 0.00015.

Submissions (4):

Labcorp Genetics (formerly Invitae), Labcorp
Classification: Uncertain significance for Long QT syndrome. Last evaluated: 2025-06-19. Review status: criteria provided, single submitter. Criteria: Invitae Variant Classification Sherloc (09022015). Collection method: clinical testing. Allele origin: germline.
Comment: This sequence change replaces isoleucine, which is neutral and non-polar, with threonine, which is neutral and polar, at codon 3840 of the AKAP9 protein (p.Ile3840Thr). This variant is present in population databases (rs145675748, gnomAD 0.04%). This missense change has been observed in individual(s) with long QT syndrome (PMID: 37901857). ClinVar contains an entry for this variant (Variation ID: 190498). An algorithm developed to predict the effect of missense changes on protein structure and function (PolyPhen-2) suggests that this variant is likely to be tolerated. In summary, the available evidence is currently insufficient to determine the role of this variant in disease. Therefore, it has been classified as a Variant of Uncertain Significance.

Blueprint Genetics
Classification: Likely benign. Last evaluated: 2024-11-26. Review status: criteria provided, single submitter. Criteria: ACMG Guidelines, 2015. Collection method: clinical testing. Allele origin: germline.

Ambry Genetics
Classification: Likely benign for Cardiovascular phenotype. Last evaluated: 2022-10-19. Review status: criteria provided, single submitter. Criteria: Ambry Variant Classification Scheme 2023. Collection method: clinical testing. Allele origin: germline.

GeneDx
Classification: Likely benign. Last evaluated: 2011-09-21. Review status: criteria provided, single submitter. Criteria: GeneDx Variant Classification (06012015). Collection method: clinical testing. Allele origin: germline. Affected: yes.
Comment: This variant is considered likely benign or benign based on one or more of the following criteria: it is a conservative change, it occurs at a poorly conserved position in the protein, it is predicted to be benign by multiple in silico algorithms, and/or has population frequency not consistent with disease.

Literature cited by the submitters: PubMed 37901857 (cited by Labcorp Genetics (formerly Invitae), Labcorp).